The following is an entry in ClinVar:

NM_001378778.1(MPDZ):c.3583C>A (p.Pro1195Thr)

Gene: MPDZ (multiple PDZ domain crumbs cell polarity complex component; minus strand). Cytogenetic location: 9p23.
Variant type: single nucleotide variant.
Coding change: c.3583C>A on transcript NM_001378778.1 (MANE Select); coding-DNA position 3583, C replaced by A.
Protein change: p.Pro1195Thr; replaces proline 1195 with threonine.
Molecular consequence: missense variant.
Genome position (GRCh38, 1-based): chr9:13,150,558, G>T on the plus strand (C>A on the coding strand, the complement: MPDZ is on the minus strand). VCF-style: chr9-13150558-G-T. GRCh37 (hg19) VCF-style: chr9-13150557-G-T.
Other names: c.3583C>A, p.Pro1195Thr (NM_001261406.2, NM_001261407.2, NM_001330637.2 and 13 more transcripts); c.3385C>A, p.Pro1129Thr (NM_001375427.1); short protein forms P1195T, P1129T.
Identifiers: ClinVar variation 1920099 (VCV001920099.6), dbSNP rs767629817, ClinGen allele CA4987073.

ClinVar aggregate classification (germline): Uncertain significance. Review status: criteria provided, single submitter (1 of 4 stars). 2 submissions from 2 submitters: Uncertain significance (1). 1 of the submissions does not count toward it. Last evaluated 2022-08-16.

Conditions:
Meniere disease. Also called: Ménière's disease. Identifiers: MedGen C0025281, MONDO:0007972, OMIM 156000.

Allele frequency attached by ClinVar (database versions not stated): gnomAD exomes below 0.00001; ExAC 0.00001; gnomAD 0.00001; TOPMed 0.00001.
gnomAD v4.1: 7 of 1,573,862 alleles (0.00044%); highest among the groups gnomAD compares: Admixed American, 0.0035%; no homozygotes.

Submissions (2):

Labcorp Genetics (formerly Invitae), Labcorp
Classification: Uncertain significance. Last evaluated: 2022-08-16. Review status: criteria provided, single submitter. Criteria: Invitae Variant Classification Sherloc (09022015). Collection method: clinical testing. Allele origin: germline.
Comment: Algorithms developed to predict the effect of missense changes on protein structure and function (SIFT, PolyPhen-2, Align-GVGD) all suggest that this variant is likely to be disruptive. In summary, the available evidence is currently insufficient to determine the role of this variant in disease. Therefore, it has been classified as a Variant of Uncertain Significance. This variant has not been reported in the literature in individuals affected with MPDZ-related conditions. This variant is present in population databases (rs767629817, gnomAD 0.0009%). This sequence change replaces proline, which is neutral and non-polar, with threonine, which is neutral and polar, at codon 1195 of the MPDZ protein (p.Pro1195Thr).

Center for Computational Biology & Bioinformatics, University of California, San Diego
Classification: Uncertain significance for Meniere disease. Last evaluated: 2024-06-03. Review status: no assertion criteria provided. Collection method: research. Allele origin: germline. Affected: yes. Not counted in ClinVar's aggregate classification.